The following is an entry in ClinVar:

ClinVar aggregate classification (germline): Uncertain significance (1 of 4 stars; one submission).

Allele frequency attached by ClinVar (database versions not stated): gnomAD exomes below 0.00001; ExAC 0.00001; gnomAD 0.00001; TOPMed 0.00001.
gnomAD v4.1: 2 of 1,614,100 alleles (0.00012%); highest among the groups gnomAD compares: Admixed American, 0.0033%; no homozygotes.

Submission:

Labcorp Genetics (formerly Invitae), Labcorp
Classification: Uncertain significance. Last evaluated: 2024-08-19. Review status: criteria provided, single submitter. Criteria: Invitae Variant Classification Sherloc (09022015). Collection method: clinical testing. Allele origin: germline.
Comment: This sequence change replaces aspartic acid, which is acidic and polar, with glycine, which is neutral and non-polar, at codon 540 of the SLC25A12 protein (p.Asp540Gly). This variant is present in population databases (rs756455673, gnomAD 0.003%). This variant has not been reported in the literature in individuals affected with SLC25A12-related conditions. ClinVar contains an entry for this variant (Variation ID: 1413946). Invitae Evidence Modeling of protein sequence and biophysical properties (such as structural, functional, and spatial information, amino acid conservation, physicochemical variation, residue mobility, and thermodynamic stability) indicates that this missense variant is expected to disrupt SLC25A12 protein function with a positive predictive value of 80%. In summary, the available evidence is currently insufficient to determine the role of this variant in disease. Therefore, it has been classified as a Variant of Uncertain Significance.

NM_003705.5(SLC25A12):c.1619A>G (p.Asp540Gly)

Gene: SLC25A12 (solute carrier family 25 member 12; minus strand). Cytogenetic location: 2q31.1.
Variant type: single nucleotide variant.
Coding change: c.1619A>G on transcript NM_003705.5 (MANE Select); coding-DNA position 1619, A replaced by G.
Protein change: p.Asp540Gly; replaces aspartic acid 540 with glycine.
Molecular consequence: missense variant. On other transcripts: non-coding transcript variant (1).
Genome position (GRCh38, 1-based): chr2:171,787,914, T>C on the plus strand (A>G on the coding strand, the complement: SLC25A12 is on the minus strand). VCF-style: chr2-171787914-T-C. GRCh37 (hg19) VCF-style: chr2-172644424-T-C.
Other names: short protein forms D540G.
Identifiers: ClinVar variation 1413946 (VCV001413946.7), dbSNP rs756455673, ClinGen allele CA1966061.
Genomic context (GRCh38, chr2:171,787,914, plus strand): 5'-ACACCACTGTATGTCGTCTGGCCAGCGCGGGCAGCCACCTGCAGTCTTGTCTTGATGACA[T>C]CAGCAGGGGTCACCAGAGATGCAGCTGGGACACCTTTCAGGAGAAAACCACATTTAATTT-3'
Protein context (NP_003696.2, residues 530-550): VPAASLVTPA[Asp540Gly]VIKTRLQVAA